The following is an entry in ClinVar:

NM_001134407.3(GRIN2A):c.3109G>T (p.Ala1037Ser)

Gene: GRIN2A (glutamate ionotropic receptor NMDA type subunit 2A; minus strand). Cytogenetic location: 16p13.2.
Variant type: single nucleotide variant.
Coding change: c.3109G>T on transcript NM_001134407.3 (MANE Select); coding-DNA position 3109, G replaced by T.
Protein change: p.Ala1037Ser; replaces alanine 1037 with serine.
Molecular consequence: missense variant.
Genome position (GRCh38, 1-based): chr16:9,764,435, C>A on the plus strand (G>T on the coding strand, the complement: GRIN2A is on the minus strand). VCF-style: chr16-9764435-C-A. GRCh37 (hg19) VCF-style: chr16-9858292-C-A.
Other names: c.3109G>T, p.Ala1037Ser (NM_000833.5, NM_001134408.2); short protein forms A1037S.
Identifiers: ClinVar variation 2049543 (VCV002049543.4), dbSNP rs2141134836, ClinGen allele CA394708651.

ClinVar aggregate classification (germline): Uncertain significance (1 of 4 stars; one submission).

Conditions:
Landau-Kleffner syndrome (FESD). Also called: EPILEPSY, FOCAL, WITH SPEECH DISORDER AND WITH OR WITHOUT MENTAL RETARDATION; APHASIA, ACQUIRED, WITH EPILEPSY. Identifiers: Orphanet 1945, Orphanet 725, Orphanet 98818, MedGen C0282512, MONDO:0009509, OMIM 245570.

Allele frequency attached by ClinVar (database versions not stated): gnomAD exomes 0.00001.
gnomAD v4.1: 3 of 1,614,020 alleles (0.00019%); highest among the groups gnomAD compares: East Asian, 0.0067%; no homozygotes.

Submission:

Labcorp Genetics (formerly Invitae), Labcorp
Classification: Uncertain significance for Landau-Kleffner syndrome. Last evaluated: 2021-12-21. Review status: criteria provided, single submitter. Criteria: Invitae Variant Classification Sherloc (09022015). Collection method: clinical testing. Allele origin: germline.
Comment: This sequence change replaces alanine, which is neutral and non-polar, with serine, which is neutral and polar, at codon 1037 of the GRIN2A protein (p.Ala1037Ser). This variant is not present in population databases (gnomAD no frequency). This variant has not been reported in the literature in individuals affected with GRIN2A-related conditions. Advanced modeling of protein sequence and biophysical properties (such as structural, functional, and spatial information, amino acid conservation, physicochemical variation, residue mobility, and thermodynamic stability) performed at Invitae indicates that this missense variant is not expected to disrupt GRIN2A protein function. In summary, the available evidence is currently insufficient to determine the role of this variant in disease. Therefore, it has been classified as a Variant of Uncertain Significance.